The following is an entry in ClinVar:

ClinVar aggregate classification (germline): Uncertain significance (1 of 4 stars; one submission).

Conditions:
Arginase deficiency. Also called: ARGININEMIA; ARG1 DEFICIENCY; Arginase 1 Deficiency. Identifiers: Orphanet 90, MedGen C0268548, MONDO:0008814, OMIM 207800.

Submission:

Labcorp Genetics (formerly Invitae), Labcorp
Classification: Uncertain significance for Arginase deficiency. Last evaluated: 2022-07-19. Review status: criteria provided, single submitter. Criteria: Invitae Variant Classification Sherloc (09022015). Collection method: clinical testing. Allele origin: germline.
Comment: In summary, the available evidence is currently insufficient to determine the role of this variant in disease. Therefore, it has been classified as a Variant of Uncertain Significance. Algorithms developed to predict the effect of missense changes on protein structure and function output the following: SIFT: "Tolerated"; PolyPhen-2: "Benign"; Align-GVGD: "Class C0". The lysine amino acid residue is found in multiple mammalian species, which suggests that this missense change does not adversely affect protein function. This variant has not been reported in the literature in individuals affected with ARG1-related conditions. This variant is not present in population databases (gnomAD no frequency). This sequence change replaces asparagine, which is neutral and polar, with lysine, which is basic and polar, at codon 319 of the ARG1 protein (p.Asn319Lys).

NM_000045.4(ARG1):c.957C>A (p.Asn319Lys)

Genes: ARG1 (arginase 1; plus strand), MED23 (mediator complex subunit 23; minus strand). Cytogenetic location: 6q23.2.
Variant type: single nucleotide variant.
Coding change: c.957C>A on transcript NM_000045.4 (MANE Select); coding-DNA position 957, C replaced by A.
Protein change: p.Asn319Lys; replaces asparagine 319 with lysine.
Molecular consequence: missense variant. On other transcripts: non-coding transcript variant (1), intron variant (2).
Genome position (GRCh38, 1-based): chr6:131,583,896, C>A. VCF-style: chr6-131583896-C-A. GRCh37 (hg19) VCF-style: chr6-131905036-C-A.
Other names: c.981C>A, p.Asn327Lys (NM_001244438.2); c.702C>A, p.Asn234Lys (NM_001369020.1); c.4077+3813G>T (NM_001270521.2); c.4095+3813G>T (NM_015979.4); short protein forms N319K, N327K, N234K.
Identifiers: ClinVar variation 1918371 (VCV001918371.4), dbSNP rs2482392459, ClinGen allele CA365653785.